The following is an entry in ClinVar:

ClinVar aggregate classification (germline): Likely benign (1 of 4 stars; one submission).

Allele frequency attached by ClinVar (database versions not stated): ExAC 0.00001.

Submission:

CeGaT Center for Human Genetics Tuebingen
Classification: Likely benign. Last evaluated: 2024-02-01. Review status: criteria provided, single submitter. Criteria: CeGaT Center For Human Genetics Tuebingen Variant Classification Criteria Version 2. Collection method: clinical testing. Allele origin: germline. Affected: yes. Observed: 1 variant allele.
Comment: ZNF343: BP4, BP7

NM_024325.6(ZNF343):c.1626A>G (p.Thr542=)

Gene: ZNF343 (zinc finger protein 343; minus strand). Cytogenetic location: 20p13.
Variant type: single nucleotide variant.
Coding change: c.1626A>G on transcript NM_024325.6 (MANE Select); coding-DNA position 1626, A replaced by G.
Protein change: p.Thr542=; no amino-acid change (threonine 542 retained).
Molecular consequence: synonymous variant.
Genome position (GRCh38, 1-based): chr20:2,483,335, T>C on the plus strand (A>G on the coding strand, the complement: ZNF343 is on the minus strand). VCF-style: chr20-2483335-T-C. GRCh37 (hg19) VCF-style: chr20-2463981-T-C.
Other names: c.1626A>G, p.Thr542= (NM_001282495.1, NM_001282496.2, NM_001321800.2); c.1749A>G, p.Thr583= (NM_001282497.2, NM_001321801.2); c.1356A>G, p.Thr452= (NM_001282498.2); c.1746A>G, p.Thr582= (NM_001321802.2, NM_001321803.2); c.1623A>G, p.Thr541= (NM_001321805.2).
Identifiers: ClinVar variation 3026080 (VCV003026080.22), dbSNP rs140436866, ClinGen allele CA9732648.
Genomic context (GRCh38, chr20:2,483,335, plus strand): 5'-TGATTTCCGGCTAAAGCCTCGGCCACACTCACTGCACACGTAAGGCTTCTCTCCTGAGTG[T>C]GTCCTCTCATGTACAATGAGGGTTGACTTGTCACAAAAGCCTCGCCCACATTCCCTGCAA-3'
Protein context (NP_077301.4, residues 532-552): DKSTLIVHER[Thr542=]HSGEKPYVCS